The following is an entry in ClinVar:

ClinVar aggregate classification (germline): Benign/Likely benign. Review status: criteria provided, multiple submitters, no conflicts (2 of 4 stars). 4 submissions from 4 submitters: Benign (2); Likely benign (2). Last evaluated 2026-02-04.

Conditions:
Congenital microvillous atrophy (DIAR2). Also called: CONGENITAL FAMILIAL PROTRACTED DIARRHEA WITH ENTEROCYTE BRUSH-BORDER ABNORMALITIES; DAVIDSON DISEASE; MICROVILLUS ATROPHY, CONGENITAL; Diarrhea 2 with microvillus atrophy, with or without cholestasis; Microvillus inclusion disease. Identifiers: Orphanet 2290, MedGen C0341306, MONDO:0009635, OMIM 251850.

Allele frequency attached by ClinVar (database versions not stated): ESP Exome Variant Server 0.00008; gnomAD exomes 0.00037 and 0.00156; 1000 Genomes Project 30x 0.00094; gnomAD 0.00105 and 0.00107; ExAC 0.00108; 1000 Genomes Project 0.00120; TOPMed 0.00159.
gnomAD v4.1: 703 of 1,614,234 alleles (0.044%); highest among the groups gnomAD compares: Admixed American, 0.93%; 6 homozygotes.

Submissions (8):

Labcorp Genetics (formerly Invitae), Labcorp
Classification: Benign. Last evaluated: 2026-02-04. Review status: criteria provided, single submitter. Criteria: Invitae Variant Classification Sherloc (09022015). Collection method: clinical testing. Allele origin: germline.

Mayo Clinic Laboratories, Mayo Clinic
Classification: Benign. Last evaluated: 2025-07-07. Review status: criteria provided, single submitter. Criteria: ACMG Guidelines, 2015. Collection method: clinical testing. Allele origin: germline. Observed: 2 variant alleles.
Comment: BA1, BS2

Illumina Laboratory Services, Illumina
Classification: Likely benign for Congenital microvillous atrophy. Last evaluated: 2018-01-12. Review status: criteria provided, single submitter. Criteria: ICSL Variant Classification Criteria 13 December 2019. Collection method: clinical testing. Allele origin: germline.
Comment: This variant was observed in the ICSL laboratory as part of a predisposition screen in an ostensibly healthy population. It had not been previously curated by ICSL or reported in the Human Gene Mutation Database (HGMD: prior to June 1st, 2018), and was therefore a candidate for classification through an automated scoring system. Utilizing variant allele frequency, disease prevalence and penetrance estimates, and inheritance mode, an automated score was calculated to assess if this variant is too frequent to cause the disease. Based on the score and internal cut-off values, a variant classified as likely benign is not then subjected to further curation. The score for this variant resulted in a classification of likely benign for this disease.

Breakthrough Genomics
Classification: Likely benign. Review status: criteria provided, single submitter. Criteria: ACMG Guidelines, 2015. Collection method: not provided. Allele origin: germline. Inheritance: Autosomal recessive inheritance. Affected: yes.

Dr. Peter K. Rogan Lab, Western University
No classification provided (evidence only). Condition: Thyroid cancer, nonmedullary, 1. Review status: no classification provided. Collection method: in vitro. Allele origin: not applicable. Functional consequence: retained intron. Not counted in ClinVar's aggregate classification.

Dr. Peter K. Rogan Lab, Western University
No classification provided (evidence only). Condition: Sarcoma. Review status: no classification provided. Collection method: in vitro. Allele origin: not applicable. Functional consequence: retained intron. Not counted in ClinVar's aggregate classification.

Dr. Peter K. Rogan Lab, Western University
No classification provided (evidence only). Condition: Thymoma. Review status: no classification provided. Collection method: in vitro. Allele origin: not applicable. Functional consequence: retained intron. Not counted in ClinVar's aggregate classification.

Dr. Peter K. Rogan Lab, Western University
No classification provided (evidence only). Condition: Gastric cancer. Review status: no classification provided. Collection method: in vitro. Allele origin: not applicable. Functional consequence: retained intron. Not counted in ClinVar's aggregate classification.

NM_001080467.3(MYO5B):c.4674C>G (p.His1558Gln)

Genes: MYO5B (myosin VB; minus strand), SNHG22 (small nucleolar RNA host gene 22; plus strand). Cytogenetic location: 18q21.1.
Variant type: single nucleotide variant.
Coding change: c.4674C>G on transcript NM_001080467.3 (MANE Select); coding-DNA position 4674, C replaced by G.
Protein change: p.His1558Gln; replaces histidine 1558 with glutamine.
Molecular consequence: missense variant.
Genome position (GRCh38, 1-based): chr18:49,841,392, G>C on the plus strand (C>G on the coding strand, the complement: MYO5B is on the minus strand). VCF-style: chr18-49841392-G-C. GRCh37 (hg19) VCF-style: chr18-47367762-G-C.
Other names: p.His1558Gln; short protein forms H1558Q.
Identifiers: ClinVar variation 327008 (VCV000327008.17), dbSNP rs186428920, ClinGen allele CA8960261.